The following is an entry in ClinVar:

NM_022124.6(CDH23):c.7893C>A (p.Asn2631Lys)

Gene: CDH23 (cadherin related 23; plus strand). Cytogenetic location: 10q22.1.
Variant type: single nucleotide variant.
Coding change: c.7893C>A on transcript NM_022124.6 (MANE Select); coding-DNA position 7893, C replaced by A.
Protein change: p.Asn2631Lys; replaces asparagine 2631 with lysine.
Molecular consequence: missense variant.
Genome position (GRCh38, 1-based): chr10:71,805,826, C>A. VCF-style: chr10-71805826-C-A. GRCh37 (hg19) VCF-style: chr10-73565583-C-A.
Other names: c.1173C>A, p.Asn391Lys (NM_001171933.1, NM_001171934.1); short protein forms N2631K, N391K.
Identifiers: ClinVar variation 1059208 (VCV001059208.8), dbSNP rs377121007, ClinGen allele CA377161902.

ClinVar aggregate classification (germline): Uncertain significance (1 of 4 stars; one submission).

gnomAD v4.1: 1 of 1,613,566 alleles (0.000062%); highest among the groups gnomAD compares: African/African-American, 0.0013%; no homozygotes.

Submission:

Labcorp Genetics (formerly Invitae), Labcorp
Classification: Uncertain significance. Last evaluated: 2022-02-24. Review status: criteria provided, single submitter. Criteria: Invitae Variant Classification Sherloc (09022015). Collection method: clinical testing. Allele origin: germline.
Comment: In summary, the available evidence is currently insufficient to determine the role of this variant in disease. Therefore, it has been classified as a Variant of Uncertain Significance. Algorithms developed to predict the effect of sequence changes on RNA splicing suggest that this variant may create or strengthen a splice site. Algorithms developed to predict the effect of missense changes on protein structure and function are either unavailable or do not agree on the potential impact of this missense change (SIFT: "Deleterious"; PolyPhen-2: "Not Available"; Align-GVGD: "Class C0"). ClinVar contains an entry for this variant (Variation ID: 1059208). This variant has not been reported in the literature in individuals affected with CDH23-related conditions. This variant is not present in population databases (gnomAD no frequency). This sequence change replaces asparagine, which is neutral and polar, with lysine, which is basic and polar, at codon 2631 of the CDH23 protein (p.Asn2631Lys).